The following is an entry in ClinVar:

NM_000186.4(CFH):c.1608C>A (p.Cys536Ter)

Gene: CFH (complement factor H; plus strand). Cytogenetic location: 1q31.3.
Variant type: single nucleotide variant.
Coding change: c.1608C>A on transcript NM_000186.4 (MANE Select); coding-DNA position 1608, C replaced by A.
Protein change: p.Cys536Ter; replaces cysteine 536 with a stop codon.
Molecular consequence: nonsense.
Genome position (GRCh38, 1-based): chr1:196,715,681, C>A. VCF-style: chr1-196715681-C-A. GRCh37 (hg19) VCF-style: chr1-196684811-C-A.
Other names: short protein forms C536*.
Identifiers: ClinVar variation 4766478 (VCV004766478.1).

ClinVar aggregate classification (germline): Pathogenic (1 of 4 stars; one submission).

Submission:

Labcorp Genetics (formerly Invitae), Labcorp
Classification: Pathogenic. Last evaluated: 2026-02-01. Review status: criteria provided, single submitter. Criteria: Invitae Variant Classification Sherloc (09022015). Collection method: clinical testing. Allele origin: germline.
Comment: This sequence change creates a premature translational stop signal (p.Cys536*) in the CFH gene. It is expected to result in an absent or disrupted protein product. Loss-of-function variants in CFH are known to be pathogenic (PMID: 11170896, 14978182, 16621965, 23870792, 25188723). This variant is not present in population databases (gnomAD no frequency). This variant has not been reported in the literature in individuals affected with CFH-related conditions. Algorithms developed to predict the effect of sequence changes on RNA splicing suggest that this variant may disrupt the consensus splice site. For these reasons, this variant has been classified as Pathogenic.

Literature cited by the submitters: PubMed 11170896; PubMed 14978182; PubMed 16621965; PubMed 23870792; PubMed 25188723.